The following is an entry in ClinVar:

NM_001127222.2(CACNA1A):c.2654G>A (p.Gly885Glu)

Gene: CACNA1A (calcium voltage-gated channel subunit alpha1 A; minus strand). Cytogenetic location: 19p13.13.
Variant type: single nucleotide variant.
Coding change: c.2654G>A on transcript NM_001127222.2 (MANE Select); coding-DNA position 2654, G replaced by A.
Protein change: p.Gly885Glu; replaces glycine 885 with glutamic acid.
Molecular consequence: missense variant.
Genome position (GRCh38, 1-based): chr19:13,298,979, C>T on the plus strand (G>A on the coding strand, the complement: CACNA1A is on the minus strand). VCF-style: chr19-13298979-C-T. GRCh37 (hg19) VCF-style: chr19-13409793-C-T.
Other names: c.2666G>A, p.Gly889Glu (NM_000068.4, NM_023035.3); c.2657G>A, p.Gly886Glu (NM_001127221.2, NM_001174080.2); short protein forms G889E, G885E, G886E.
Identifiers: ClinVar variation 2931957 (VCV002931957.4), dbSNP rs2512908094, ClinGen allele CA404342993.
Genomic context (GRCh38, chr19:13,298,979, plus strand): 5'-GCGTGGTGGTCCGACTCGCGGCCGTAGGGTCCCTCCCGGCTCAGCTCGGCCTCCTGGCTT[C>T]CCGCCCAGGGCCTCCGTGCGTCCAGGCCCGCCGAGCCGCTGGGGTCCCGGGCCCGATCGT-3'
Protein context (NP_001120694.1, residues 875-895): AGLDARRPWA[Gly885Glu]SQEAELSREG

ClinVar aggregate classification (germline): Uncertain significance. Review status: criteria provided, multiple submitters, no conflicts (2 of 4 stars). 2 submissions from 2 submitters: Uncertain significance (2). Last evaluated 2026-03-05.

Conditions:
Episodic ataxia type 2 (EA2). Also called: ACETAZOLAMIDE-RESPONSIVE HEREDITARY PAROXYSMAL CEREBELLAR ATAXIA; ATAXIA, EPISODIC, WITH NYSTAGMUS; ATAXIA, FAMILIAL PAROXYSMAL; CEREBELLAR ATAXIA, PAROXYSMAL, ACETAZOLAMIDE-RESPONSIVE; CEREBELLOPATHY, HEREDITARY PAROXYSMAL; EPISODIC ATAXIA, NYSTAGMUS-ASSOCIATED. Identifiers: Orphanet 97, MedGen C1720416, MONDO:0007163, OMIM 108500.
Developmental and epileptic encephalopathy, 42 (DEE42A). Also called: Epileptic encephalopathy, early infantile, 42; DEVELOPMENTAL AND EPILEPTIC ENCEPHALOPATHY 42A; EPILEPTIC ENCEPHALOPATHY, EARLY INFANTILE, 42A. Identifiers: MedGen C4310716, MONDO:0014917, OMIM 617106.

Allele frequency attached by ClinVar (database versions not stated): gnomAD exomes below 0.00001.
gnomAD v4.1: 5 of 1,583,342 alleles (0.00032%); highest among the groups gnomAD compares: Admixed American, 0.0035%; no homozygotes.

Submissions (2):

GeneDx
Classification: Uncertain significance. Last evaluated: 2026-03-05. Review status: criteria provided, single submitter. Criteria: GeneDx Variant Classification Process June 2021. Collection method: clinical testing. Allele origin: germline.
Comment: Not observed at significant frequency in large population cohorts (gnomAD); In silico analysis suggests that this missense variant does not alter protein structure/function; Has not been previously published as pathogenic or benign to our knowledge

Labcorp Genetics (formerly Invitae), Labcorp
Classification: Uncertain significance for Developmental and epileptic encephalopathy, 42; Episodic ataxia type 2. Last evaluated: 2024-12-05. Review status: criteria provided, single submitter. Criteria: Invitae Variant Classification Sherloc (09022015). Collection method: clinical testing. Allele origin: germline.
Comment: This sequence change replaces glycine, which is neutral and non-polar, with glutamic acid, which is acidic and polar, at codon 886 of the CACNA1A protein (p.Gly886Glu). This variant is not present in population databases (gnomAD no frequency). This variant has not been reported in the literature in individuals affected with CACNA1A-related conditions. ClinVar contains an entry for this variant (Variation ID: 2931957). Invitae Evidence Modeling of protein sequence and biophysical properties (such as structural, functional, and spatial information, amino acid conservation, physicochemical variation, residue mobility, and thermodynamic stability) indicates that this missense variant is not expected to disrupt CACNA1A protein function with a negative predictive value of 95%. In summary, the available evidence is currently insufficient to determine the role of this variant in disease. Therefore, it has been classified as a Variant of Uncertain Significance.